The following is an entry in ClinVar:

ClinVar aggregate classification (germline): Uncertain significance. Review status: criteria provided, multiple submitters, no conflicts (2 of 4 stars). 2 submissions from 2 submitters: Uncertain significance (2). Last evaluated 2023-11-01.

gnomAD v4.1: 1 of 1,612,898 alleles (0.000062%); highest among the groups gnomAD compares: African/African-American, 0.0013%; no homozygotes.

Submissions (2):

Women's Health and Genetics/Laboratory Corporation of America, LabCorp
Classification: Uncertain significance. Last evaluated: 2023-11-01. Review status: criteria provided, single submitter. Criteria: LabCorp Variant Classification Summary - May 2015. Collection method: clinical testing. Allele origin: germline.
Comment: Variant summary: SLC26A4 c.2090A>G (p.Asp697Gly) results in a non-conservative amino acid change in the encoded protein sequence. Three of five in-silico tools predict a damaging effect of the variant on protein function. Consensus agreement among computation tools predict no significant impact on normal splicing. However, these predictions have yet to be confirmed by functional studies. The variant was absent in 251196 control chromosomes. The available data on variant occurrences in the general population are insufficient to allow any conclusion about variant significance. c.2090A>G has been reported in the literature in at least one compound heterozygous individual affected with Pendred Syndrome (e.g. Sloan-Heggen_2016). To our knowledge, no experimental evidence demonstrating an impact on protein function has been reported. The following publication has been ascertained in the context of this evaluation (PMID: 26969326). No submitters have cited clinical-significance assessments for this variant to ClinVar after 2014. Based on the evidence outlined above, the variant was classified as uncertain significance.

Labcorp Genetics (formerly Invitae), Labcorp
Classification: Uncertain significance. Last evaluated: 2023-10-10. Review status: criteria provided, single submitter. Criteria: Invitae Variant Classification Sherloc (09022015). Collection method: clinical testing. Allele origin: germline.
Comment: This sequence change replaces aspartic acid, which is acidic and polar, with glycine, which is neutral and non-polar, at codon 697 of the SLC26A4 protein (p.Asp697Gly). This variant is not present in population databases (gnomAD no frequency). This missense change has been observed in individual(s) with deafness (PMID: 26969326). An algorithm developed to predict the effect of missense changes on protein structure and function (PolyPhen-2) suggests that this variant is likely to be tolerated. In summary, the available evidence is currently insufficient to determine the role of this variant in disease. Therefore, it has been classified as a Variant of Uncertain Significance.

Literature cited by the submitters: PubMed 26969326 (cited by Women's Health and Genetics/Laboratory Corporation of America, LabCorp and Labcorp Genetics (formerly Invitae), Labcorp).

NM_000441.2(SLC26A4):c.2090A>G (p.Asp697Gly)

Genes: SLC26A4 (solute carrier family 26 member 4; plus strand), LOC123956210 (Sharpr-MPRA regulatory region 3291; plus strand). Cytogenetic location: 7q22.3.
Variant type: single nucleotide variant.
Coding change: c.2090A>G on transcript NM_000441.2 (MANE Select); coding-DNA position 2090, A replaced by G.
Protein change: p.Asp697Gly; replaces aspartic acid 697 with glycine.
Molecular consequence: missense variant.
Genome position (GRCh38, 1-based): chr7:107,710,054, A>G. VCF-style: chr7-107710054-A-G. GRCh37 (hg19) VCF-style: chr7-107350499-A-G.
Other names: short protein forms D697G.
Identifiers: ClinVar variation 2682260 (VCV002682260.4), dbSNP rs111033443, ClinGen allele CA368845412.
Genomic context (GRCh38, chr7:107,710,054, plus strand): 5'-AAAACAAACAAAAATTTCTTTTCCTAGGAACTAACAAAACATTGTGTCTTTCTTTTGAAG[A>G]TTATGTGATAGAAAAGCTGGAGCAATGCGGGTTCTTTGACGACAACATTAGAAAGGACAC-3'
Protein context (NP_000432.1, residues 687-707): DVNVYFASLQ[Asp697Gly]YVIEKLEQCG